The following is an entry in ClinVar:

NM_001197104.2(KMT2A):c.488C>T (p.Thr163Ile)

Gene: KMT2A (lysine methyltransferase 2A; plus strand). Cytogenetic location: 11q23.3.
Variant type: single nucleotide variant.
Coding change: c.488C>T on transcript NM_001197104.2 (MANE Select); coding-DNA position 488, C replaced by T.
Protein change: p.Thr163Ile; replaces threonine 163 with isoleucine.
Molecular consequence: missense variant.
Genome position (GRCh38, 1-based): chr11:118,468,830, C>T. VCF-style: chr11-118468830-C-T. GRCh37 (hg19) VCF-style: chr11-118339545-C-T.
Other names: c.587C>T, p.Thr196Ile (NM_001412597.1); c.488C>T, p.Thr163Ile (NM_005933.4); short protein forms T196I, T163I.
Identifiers: ClinVar variation 2123580 (VCV002123580.4), dbSNP rs782438210, ClinGen allele CA382803726.

ClinVar aggregate classification (germline): Uncertain significance (1 of 4 stars; one submission).

gnomAD v4.1: 1 of 1,613,160 alleles (0.000062%); highest among the groups gnomAD compares: Non-Finnish European, 0.000085%; no homozygotes.

Submission:

Labcorp Genetics (formerly Invitae), Labcorp
Classification: Uncertain significance. Last evaluated: 2022-04-09. Review status: criteria provided, single submitter. Criteria: Invitae Variant Classification Sherloc (09022015). Collection method: clinical testing. Allele origin: germline.
Comment: In summary, the available evidence is currently insufficient to determine the role of this variant in disease. Therefore, it has been classified as a Variant of Uncertain Significance. Advanced modeling of protein sequence and biophysical properties (such as structural, functional, and spatial information, amino acid conservation, physicochemical variation, residue mobility, and thermodynamic stability) performed at Invitae indicates that this missense variant is not expected to disrupt KMT2A protein function. This variant has not been reported in the literature in individuals affected with KMT2A-related conditions. This variant is not present in population databases (gnomAD no frequency). This sequence change replaces threonine, which is neutral and polar, with isoleucine, which is neutral and non-polar, at codon 163 of the KMT2A protein (p.Thr163Ile).